The following is an entry in ClinVar:

ClinVar aggregate classification (germline): Uncertain significance (1 of 4 stars; one submission).

Conditions:
Familial thoracic aortic aneurysm and aortic dissection (TAAD). Also called: Thoracic aortic aneurysms and dissections. Identifiers: Orphanet 91387, MedGen C4707243, MONDO:0019625.

Submission:

Labcorp Genetics (formerly Invitae), Labcorp
Classification: Uncertain significance for Familial thoracic aortic aneurysm and aortic dissection. Last evaluated: 2022-10-15. Review status: criteria provided, single submitter. Criteria: Invitae Variant Classification Sherloc (09022015). Collection method: clinical testing. Allele origin: germline.
Comment: In summary, the available evidence is currently insufficient to determine the role of this variant in disease. Therefore, it has been classified as a Variant of Uncertain Significance. Advanced modeling of protein sequence and biophysical properties (such as structural, functional, and spatial information, amino acid conservation, physicochemical variation, residue mobility, and thermodynamic stability) performed at Invitae indicates that this missense variant is not expected to disrupt SMAD3 protein function. This variant has not been reported in the literature in individuals affected with SMAD3-related conditions. This variant is not present in population databases (gnomAD no frequency). This sequence change replaces leucine, which is neutral and non-polar, with proline, which is neutral and non-polar, at codon 285 of the SMAD3 protein (p.Leu285Pro).

NM_005902.4(SMAD3):c.854T>C (p.Leu285Pro)

Gene: SMAD3 (SMAD family member 3; plus strand). Cytogenetic location: 15q22.33.
Variant type: single nucleotide variant.
Coding change: c.854T>C on transcript NM_005902.4 (MANE Select); coding-DNA position 854, T replaced by C.
Protein change: p.Leu285Pro; replaces leucine 285 with proline.
Molecular consequence: missense variant.
Genome position (GRCh38, 1-based): chr15:67,181,436, T>C. VCF-style: chr15-67181436-T-C. GRCh37 (hg19) VCF-style: chr15-67473774-T-C.
Other names: c.539T>C, p.Leu180Pro (NM_001145102.2, NM_001407016.1); c.722T>C, p.Leu241Pro (NM_001145103.2, NM_001407012.1); c.269T>C, p.Leu90Pro (NM_001145104.2, NM_001407017.1); c.854T>C, p.Leu285Pro (NM_001407011.1, NM_001407013.1); c.707T>C, p.Leu236Pro (NM_001407014.1); c.407T>C, p.Leu136Pro (NM_001407015.1); short protein forms L136P, L180P, L236P, L241P, L285P, L90P.
Identifiers: ClinVar variation 1721673 (VCV001721673.5), dbSNP rs2505284829, ClinGen allele CA392956401.